The following is an entry in ClinVar:

NM_001080467.3(MYO5B):c.4586T>G (p.Ile1529Ser)

Genes: MYO5B (myosin VB; minus strand), SNHG22 (small nucleolar RNA host gene 22; plus strand). Cytogenetic location: 18q21.1.
Variant type: single nucleotide variant.
Coding change: c.4586T>G on transcript NM_001080467.3 (MANE Select); coding-DNA position 4586, T replaced by G.
Protein change: p.Ile1529Ser; replaces isoleucine 1529 with serine.
Molecular consequence: missense variant.
Genome position (GRCh38, 1-based): chr18:49,843,266, A>C on the plus strand (T>G on the coding strand, the complement: MYO5B is on the minus strand). VCF-style: chr18-49843266-A-C. GRCh37 (hg19) VCF-style: chr18-47369636-A-C.
Other names: c.4586T>G (NM_001080467.2); short protein forms I1529S.
Identifiers: ClinVar variation 1493243 (VCV001493243.8), dbSNP rs1267829065, ClinGen allele CA402425273.

ClinVar aggregate classification (germline): Uncertain significance. Review status: criteria provided, multiple submitters, no conflicts (2 of 4 stars). 3 submissions from 3 submitters: Uncertain significance (3). Last evaluated 2025-08-11.

Conditions:
Inborn genetic diseases. Identifiers: MedGen C0950123, MeSH D030342.
MYO5B-related disorder. Also called: MYO5B-related condition.

Allele frequency attached by ClinVar (database versions not stated): gnomAD exomes below 0.00001; gnomAD 0.00001; TOPMed 0.00001.
gnomAD v4.1: 6 of 1,613,984 alleles (0.00037%); highest among the groups gnomAD compares: Middle Eastern, 0.016%; no homozygotes.

Submissions (3):

PreventionGenetics, part of Exact Sciences
Classification: Uncertain significance for MYO5B-related condition. Last evaluated: 2025-08-11. Review status: criteria provided, single submitter. Criteria: ACMG Guidelines, 2015. Collection method: clinical testing. Allele origin: germline.
Comment: The MYO5B c.4586T>G variant is predicted to result in the amino acid substitution p.Ile1529Ser. To our knowledge, this variant has not been reported in the literature or in gnomAD, indicating that this variant is rare. At this time, the clinical significance of this variant is uncertain due to the absence of conclusive functional and genetic evidence.

Ambry Genetics
Classification: Uncertain significance for Inborn genetic diseases. Last evaluated: 2025-02-27. Review status: criteria provided, single submitter. Criteria: Ambry Variant Classification Scheme 2023. Collection method: clinical testing. Allele origin: germline.

Labcorp Genetics (formerly Invitae), Labcorp
Classification: Uncertain significance. Last evaluated: 2024-02-04. Review status: criteria provided, single submitter. Criteria: Invitae Variant Classification Sherloc (09022015). Collection method: clinical testing. Allele origin: germline.
Comment: This sequence change replaces isoleucine, which is neutral and non-polar, with serine, which is neutral and polar, at codon 1529 of the MYO5B protein (p.Ile1529Ser). This variant is present in population databases (no rsID available, gnomAD no frequency). This variant has not been reported in the literature in individuals affected with MYO5B-related conditions. ClinVar contains an entry for this variant (Variation ID: 1493243). Advanced modeling of protein sequence and biophysical properties (such as structural, functional, and spatial information, amino acid conservation, physicochemical variation, residue mobility, and thermodynamic stability) performed at Invitae indicates that this missense variant is not expected to disrupt MYO5B protein function with a negative predictive value of 80%. In summary, the available evidence is currently insufficient to determine the role of this variant in disease. Therefore, it has been classified as a Variant of Uncertain Significance.